The following is an entry in ClinVar:

ClinVar aggregate classification (germline): Uncertain significance. Review status: criteria provided, multiple submitters, no conflicts (2 of 4 stars). 2 submissions from 2 submitters: Uncertain significance (2). Last evaluated 2025-06-12.

Conditions:
Inborn genetic diseases. Identifiers: MedGen C0950123, MeSH D030342.

Submissions (2):

GeneDx
Classification: Uncertain significance. Last evaluated: 2025-06-12. Review status: criteria provided, single submitter. Criteria: GeneDx Variant Classification Process June 2021. Collection method: clinical testing. Allele origin: germline. Affected: yes.
Comment: In silico analysis suggests that this variant does not alter protein structure/function; Has not been previously published as pathogenic or benign to our knowledge

Ambry Genetics
Classification: Uncertain significance for Inborn genetic diseases. Last evaluated: 2024-05-01. Review status: criteria provided, single submitter. Criteria: Ambry Variant Classification Scheme 2023. Collection method: clinical testing. Allele origin: germline.
Comment: The c.1435_1436delTGinsCA (p.W479Q) alteration, located in exon 14 (coding exon 14) of the VARS2 gene, consists of an in-frame substitution of 2 nucleotides from position 1435 to 1436, resulting in the insertion of 1 residue. Based on insufficient or conflicting evidence, the clinical significance of this alteration remains unclear.

NM_020442.6(VARS2):c.1345_1346inv (p.Trp449Gln)

Gene: VARS2 (valyl-tRNA synthetase 2, mitochondrial; plus strand). Cytogenetic location: 6p21.33.
Variant type: Inversion.
Coding change: c.1345_1346inv on transcript NM_020442.6 (MANE Select).
Protein change: p.Trp449Gln; replaces tryptophan 449 with glutamine.
Molecular consequence: missense variant.
Genome position: GRCh38 VCF-style: chr6-30920384-TG-CA. GRCh37 (hg19) VCF-style: chr6-30888161-TG-CA.
Other names: c.925_926inv, p.Trp309Gln (NM_001167733.3); c.1435_1436inv, p.Trp479Gln (NM_001167734.2); c.1435_1436delinsCA (NM_001167734.1); c.1435_1436delTGinsCA (NM_001167734.1); short protein forms W449Q, W479Q, W309Q.
Identifiers: ClinVar variation 3331856 (VCV003331856.2).